The following continues an entry in ClinVar:

NM_022124.6(CDH23):c.6442G>A (p.Asp2148Asn)

Gene: CDH23. ClinVar aggregate classification (germline): Pathogenic/Likely pathogenic. Pathogenic (13); Likely pathogenic (4).

Submissions 11 to 18 of 18:

Women's Health and Genetics/Laboratory Corporation of America, LabCorp
Classification: Pathogenic for Usher syndrome. Last evaluated: 2024-01-22. Review status: criteria provided, single submitter. Criteria: LabCorp Variant Classification Summary - May 2015. Collection method: clinical testing. Allele origin: germline.
Comment: Variant summary: CDH23 c.6442G>A (p.Asp2148Asn) results in a conservative amino acid change in the encoded protein sequence. Four of five in-silico tools predict a damaging effect of the variant on protein function. The variant allele was found at a frequency of 9.2e-05 in 249170 control chromosomes. This frequency is not significantly higher than estimated for a pathogenic variant in CDH23 causing Usher Syndrome (9.2e-05 vs 0.0032), allowing no conclusion about variant significance. c.6442G>A has been reported in the literature in multiple individuals affected with Usher Syndrome and Nonsyndromic hearing loss (e.g. Astuto_2002, deBrouwer_2003, Schultz_2011, Bonnet_2016) and also observed to segregate with disease. These data indicate that the variant is very likely to be associated with disease. To our knowledge, no experimental evidence demonstrating an impact on protein function has been reported. The following publications have been ascertained in the context of this evaluation (PMID: 12075507, 27460420, 21940737, 12522556). ClinVar contains an entry for this variant (Variation ID: 4922). Based on the evidence outlined above, the variant was classified as pathogenic.

Blueprint Genetics
Classification: Pathogenic for CDH23-related disorders. Last evaluated: 2023-06-20. Review status: criteria provided, single submitter. Criteria: ACMG Guidelines, 2015. Collection method: clinical testing. Allele origin: germline. Affected: yes. Observed: 5 variant alleles.

Revvity Omics, Revvity
Classification: Pathogenic. Last evaluated: 2022-02-08. Review status: criteria provided, single submitter. Criteria: ACMG Guidelines, 2015. Collection method: clinical testing. Allele origin: germline.

Institute of Human Genetics, Univ. Regensburg, Univ. Regensburg
Classification: Likely pathogenic for Retinal dystrophy. Last evaluated: 2022-01-01. Review status: criteria provided, single submitter. Criteria: ACMG Guidelines, 2015. Collection method: clinical testing. Allele origin: germline. Affected: yes.

Laboratory for Molecular Medicine, Mass General Brigham Personalized Medicine
Classification: Likely pathogenic for Rare genetic deafness. Last evaluated: 2019-06-10. Review status: criteria provided, single submitter. Criteria: LMM Criteria. Collection method: clinical testing. Allele origin: germline. Inheritance: Autosomal recessive inheritance. Observed: 3 variant alleles.
Comment: The p.Asp2148Asn variant in CDH23 has been previously reported in 1 individual with Usher syndrome who was compound heterozygous with p.Trp2811* (Bonnet 2016). It has also been reported in 4 additional individuals with hearing loss without evidence of retinitis pigmentosa and segregated in four affected relatives (Astuto 2002, de Brouwer 2003, Pennings 2004, Schultz 2003). In another large family with hearing loss, the p.Asp2148Asn variant was identified in four family members with hearing loss; two siblings were homozygous and two other individuals were compound heterozygous (with p.D1341N) (de Brouwer 2003, Pennings 2004). The variant was also reported in two siblings with hearing loss who were compound heterozygous with p.Arg1746Gln (Schultz 2011). This variant has been identified in 0.01% (25/128344) of European chromosomes by gnomAD. Computational prediction tools and conservation analysis suggest that this variant may impact the protein. In summary, although additional studies are required to fully establish its clinical significance, this variant meets criteria to be classified as likely pathogenic for autosomal recessive hearing loss, and there could be a risk for Usher syndrome associated with this variant when present in compound heterozygosity with a loss of function variant as was reported in Bonnet 2016. ACMG/AMP criteria applied: PP1_Strong, PM3, PM2_Supporting, PP3.

Illumina Laboratory Services, Illumina
Classification: Pathogenic for Autosomal recessive nonsyndromic hearing loss 12. Last evaluated: 2018-05-03. Review status: criteria provided, single submitter. Criteria: ICSL Variant Classification Criteria 09 May 2019. Collection method: clinical testing. Allele origin: germline.
Comment: The CDH23 c.6442G>A (p.Asp2148Asn) missense variant has been reported in three studies in which it is found in a total of eight individuals with hearing loss, including in two in a homozygous state, in five in a compound heterozygous state, and in one where zygosity was not specified (Astuto et al. 2002; De Brouwer et al. 2003; Schultz et al. 2011). This variant was also identified in 14 unaffected individuals in a heterozygous state. The p.Asp2148Asn variant was absent from a total of 296 controls and is reported at a frequency of 0.00015 in the European (non-Finnish) population of Exome Aggregation Consortium. Protein modelling studies revealed the Asp2148 residue is conserved and located in a calcium binding domain. Other aspartic acid to asparagine substitions associated with disease have been reported in these domains (de Brouwer et al. 2003). Based on the evidence, the p.Asp2148Asn variant is classified as pathogenic for autosomal recessive nonsyndromic hearing loss. This variant was observed by ICSL as part of a predisposition screen in an ostensibly healthy population.

Molecular Diagnostics Laboratory, M Health Fairview: University of Minnesota
Classification: Pathogenic for Autosomal recessive nonsyndromic hearing loss 12; Usher syndrome type 2A. Last evaluated: 2016-10-05. Review status: criteria provided, single submitter. Criteria: ACMG Guidelines, 2015. Collection method: clinical testing. Allele origin: germline. Affected: yes. Observed: 1 variant allele.

OMIM
Classification: Pathogenic for DEAFNESS, AUTOSOMAL RECESSIVE 12. Last evaluated: 2003-02-01. Review status: no assertion criteria provided. Collection method: literature only. Allele origin: germline. Not counted in ClinVar's aggregate classification.

Literature cited by the submitters: PubMed 27460420 (cited by 6 submitters); PubMed 21940737 (cited by 6 submitters); PubMed 33724713 (cited by 3 submitters); PubMed 39271758 (cited by Natera, Inc.); PubMed 12075507 (cited by 9 submitters); PubMed 12522556 (cited by 7 submitters); PubMed 28000701 (cited by Pittsburgh Clinical Genomics Laboratory, University of Pittsburgh Medical Center); PubMed 31816670 (cited by Institute of Human Genetics, Univ. Regensburg, Univ. Regensburg); PubMed 15353998 (cited by Laboratory for Molecular Medicine, Mass General Brigham Personalized Medicine and Molecular Diagnostics Laboratory, M Health Fairview: University of Minnesota); PubMed 2706105 (cited by OMIM).